The following is an entry in ClinVar:

NM_020928.2(ZSWIM6):c.229C>T (p.Leu77=)

Gene: ZSWIM6 (zinc finger SWIM-type containing 6; plus strand). Cytogenetic location: 5q12.1.
Variant type: single nucleotide variant.
Coding change: c.229C>T on transcript NM_020928.2 (MANE Select); coding-DNA position 229, C replaced by T.
Protein change: p.Leu77=; no amino-acid change (leucine 77 retained).
Molecular consequence: synonymous variant.
Genome position (GRCh38, 1-based): chr5:61,332,501, C>T. VCF-style: chr5-61332501-C-T. GRCh37 (hg19) VCF-style: chr5-60628328-C-T.
Identifiers: ClinVar variation 3025501 (VCV003025501.22), dbSNP rs1224336978, ClinGen allele CA444673970.

ClinVar aggregate classification (germline): Likely benign (1 of 4 stars; one submission).

Allele frequency attached by ClinVar (database versions not stated): gnomAD exomes below 0.00001; gnomAD 0.00002; TOPMed 0.00002.
gnomAD v4.1: 4 of 1,300,622 alleles (0.00031%); highest among the groups gnomAD compares: Non-Finnish European, 0.0004%; no homozygotes.

Submission:

CeGaT Center for Human Genetics Tuebingen
Classification: Likely benign. Last evaluated: 2024-02-01. Review status: criteria provided, single submitter. Criteria: CeGaT Center For Human Genetics Tuebingen Variant Classification Criteria Version 2. Collection method: clinical testing. Allele origin: germline. Affected: yes. Observed: 1 variant allele.
Comment: ZSWIM6: BP4, BP7